The following is an entry in ClinVar:

NM_198239.2(CCN6):c.589G>C (p.Ala197Pro)

Gene: CCN6 (cellular communication network factor 6; plus strand). Cytogenetic location: 6q21.
Variant type: single nucleotide variant.
Coding change: c.589G>C on transcript NM_198239.2 (MANE Select); coding-DNA position 589, G replaced by C.
Protein change: p.Ala197Pro; replaces alanine 197 with proline.
Molecular consequence: missense variant. On other transcripts: non-coding transcript variant (2).
Genome position (GRCh38, 1-based): chr6:112,064,997, G>C. VCF-style: chr6-112064997-G-C. GRCh37 (hg19) VCF-style: chr6-112386200-G-C.
Other names: c.589G>C, p.Ala197Pro (NM_003880.4); short protein forms A197P, A215P.
Identifiers: ClinVar variation 637051 (VCV000637051.6), dbSNP rs1554313639, ClinGen allele CA365372689.

ClinVar aggregate classification (germline): Pathogenic/Likely pathogenic. Review status: criteria provided, multiple submitters, no conflicts (2 of 4 stars). 4 submissions from 4 submitters: Pathogenic (3); Likely pathogenic (1). Last evaluated 2026-01-21.

Conditions:
Progressive pseudorheumatoid dysplasia (PPRD). Also called: SPONDYLOEPIPHYSEAL DYSPLASIA TARDA WITH PROGRESSIVE ARTHROPATHY; Progressive Pseudorheumatoid Arthropathy of Childhood. Identifiers: Orphanet 1159, MedGen C0432215, MONDO:0008827, OMIM 208230. Disease mechanism: loss of function.

Allele frequency attached by ClinVar (database versions not stated): gnomAD 0.00001.
gnomAD v4.1: 7 of 1,613,844 alleles (0.00043%); highest among the groups gnomAD compares: Non-Finnish European, 0.00059%; no homozygotes.

Submissions (4):

Clinical Genetics Laboratory, Skane University Hospital Lund
Classification: Pathogenic for Progressive pseudorheumatoid dysplasia. Last evaluated: 2026-01-21. Review status: criteria provided, single submitter. Criteria: ACMG Guidelines, 2015. Collection method: clinical testing. Allele origin: germline. Inheritance: Autosomal recessive inheritance. Affected: yes.
Comment: ACMG-criteria: PS3_supporting, PM2, PM3, PP1_strong, PP3 and PP4.

Labcorp Genetics (formerly Invitae), Labcorp
Classification: Pathogenic. Last evaluated: 2023-10-15. Review status: criteria provided, single submitter. Criteria: Invitae Variant Classification Sherloc (09022015). Collection method: clinical testing. Allele origin: germline.
Comment: This sequence change replaces alanine, which is neutral and non-polar, with proline, which is neutral and non-polar, at codon 197 of the WISP3 protein (p.Ala197Pro). This variant also falls at the last nucleotide of exon 4, which is part of the consensus splice site for this exon. This variant is present in population databases (no rsID available, gnomAD 0.007%). This missense change has been observed in individuals with progressive pseudorheumatoid dysplasia (PMID: 16152649, 22791401). It has also been observed to segregate with disease in related individuals. ClinVar contains an entry for this variant (Variation ID: 637051). An algorithm developed to predict the effect of missense changes on protein structure and function (PolyPhen-2) suggests that this variant is likely to be disruptive. Variants that disrupt the consensus splice site are a relatively common cause of aberrant splicing (PMID: 17576681, 9536098). Studies have shown that this missense change is associated with altered splicing resulting in unknown protein product impact (PMID: 16152649). For these reasons, this variant has been classified as Pathogenic.

Women's Health and Genetics/Laboratory Corporation of America, LabCorp
Classification: Pathogenic for Progressive pseudorheumatoid dysplasia. Last evaluated: 2022-05-26. Review status: criteria provided, single submitter. Criteria: LabCorp Variant Classification Summary - May 2015. Collection method: clinical testing. Allele origin: germline.
Comment: Variant summary: CCN6 c.589G>C (p.Ala197Pro) results in a non-conservative amino acid change in the encoded protein sequence. Four of five in-silico tools predict a damaging effect of the variant on protein function. In addition, the variant affects the last nucleotide of exon 4, therefore it can also affect splicing. Computational tools predict a significant impact on normal splicing: one tool predicts the variant abolishes a 5' splicing donor site. At least one publication reported experimental evidence demonstrating aberrant splicing analyzing mRNA derived from a homozygous patient (Delague_2005). The variant allele was found at a frequency of 3.2e-05 in 31406 control chromosomes (gnomAD). The variant, c.589G>C, has been reported in the literature in multiple homozygous individuals affected with Progressive Pseudorheumatoid Dysplasia (Delague_2005, Marinakis_2021). These data indicate that the variant is very likely to be associated with disease. One clinical diagnostic laboratory has submitted clinical-significance assessments for this variant to ClinVar after 2014, and classified the variant as likely pathogenic. Based on the evidence outlined above, the variant was classified as pathogenic.

Laboratory of Medical Genetics, National & Kapodistrian University of Athens
Classification: Likely pathogenic for Progressive pseudorheumatoid dysplasia. Last evaluated: 2018-07-31. Review status: criteria provided, single submitter. Criteria: ACMG Guidelines, 2015. Collection method: clinical testing. Allele origin: germline. Affected: yes.
Comment: PM2, PM3, PP3, PP4

Literature cited by the submitters: PubMed 16152649 (cited by Labcorp Genetics (formerly Invitae), Labcorp and Women's Health and Genetics/Laboratory Corporation of America, LabCorp); PubMed 22791401 (cited by Labcorp Genetics (formerly Invitae), Labcorp); PubMed 17576681 (cited by Labcorp Genetics (formerly Invitae), Labcorp); PubMed 9536098 (cited by Labcorp Genetics (formerly Invitae), Labcorp); PubMed 22987568 (cited by Women's Health and Genetics/Laboratory Corporation of America, LabCorp); PubMed 34008892 (cited by Women's Health and Genetics/Laboratory Corporation of America, LabCorp).